The following is an entry in ClinVar:

ClinVar aggregate classification (germline): Likely benign. Review status: criteria provided, multiple submitters, no conflicts (2 of 4 stars). 2 submissions from 2 submitters: Likely benign (2). Last evaluated 2025-03-22.

Conditions:
Lung cancer. Also called: Malignant tumor of lung; Lung cancer, somatic. Identifiers: MedGen C0242379, MONDO:0008903, OMIM 211980.
EGFR-related lung cancer (EGFR). Identifiers: MedGen CN130014.

Submissions (2):

Labcorp Genetics (formerly Invitae), Labcorp
Classification: Likely benign for EGFR-related lung cancer. Last evaluated: 2025-03-22. Review status: criteria provided, single submitter. Criteria: Invitae Variant Classification Sherloc (09022015). Collection method: clinical testing. Allele origin: germline.

Myriad Genetics, Inc.
Classification: Likely benign for Lung cancer. Last evaluated: 2024-10-16. Review status: criteria provided, single submitter. Criteria: Myriad Autosomal Dominant, Autosomal Recessive and X-Linked Classification Criteria (2023). Collection method: clinical testing. Allele origin: unknown.
Comment: This variant is considered likely benign. This variant is intronic and is not expected to impact mRNA splicing.

NM_005228.5(EGFR):c.2283+8T>G

Gene: EGFR (epidermal growth factor receptor; plus strand). Cytogenetic location: 7p11.2.
Variant type: single nucleotide variant.
Coding change: c.2283+8T>G on transcript NM_005228.5 (MANE Select); 8 bases into the intron after coding-DNA position 2283, T replaced by G.
Molecular consequence: intron variant.
Genome position (GRCh38, 1-based): chr7:55,174,828, T>G. VCF-style: chr7-55174828-T-G. GRCh37 (hg19) VCF-style: chr7-55242521-T-G.
Other names: c.2148+8T>G (NM_001346899.2, NM_001346897.2); c.1482+8T>G (NM_001346941.2); c.2283+8T>G (NM_001346898.2); c.2124+8T>G (NM_001346900.2).
Identifiers: ClinVar variation 1127135 (VCV001127135.10), dbSNP rs908493878, ClinGen allele CA158932705.